The following is an entry in ClinVar:

NM_001277115.2(DNAH11):c.13346_13367del (p.Arg4449fs)

Genes: CDCA7L (cell division cycle associated 7 like; minus strand), DNAH11 (dynein axonemal heavy chain 11; plus strand). Cytogenetic location: 7p15.3.
Variant type: Deletion.
Coding change: c.13346_13367del on transcript NM_001277115.2 (MANE Select); coding-DNA positions 13346 to 13367, 22 bases deleted (GTCTCAAGGAGCTGGCATGCCC).
Protein change: p.Arg4449fs; shifts the reading frame from arginine 4449.
Molecular consequence: frameshift variant. On other transcripts: 3 prime UTR variant (3).
Genome position (GRCh38, 1-based): chr7:21,901,049-21,901,070, GTCTCAAGGAGCTGGCATGCCC deleted; deleting any 22 consecutive bases within chr7:21,901,045-21,901,070 gives the same sequence; the c. name uses the placement nearest the transcript's 3' end. VCF-style (leftmost placement, unchanged base first): chr7-21901044-AGCCCGTCTCAAGGAGCTGGCAT-A. GRCh37 (hg19) VCF-style: chr7-21940662-AGCCCGTCTCAAGGAGCTGGCAT-A.
Other names: NM_001277115.2(DNAH11):c.13346_13367del; p.Arg4449fs; c.*1256_*1277del (NM_001127370.3, NM_001127371.3, NM_018719.5); short protein forms R4449fs.
Identifiers: ClinVar variation 1678874 (VCV001678874.2), dbSNP rs1257886811, ClinGen allele CA573292935.
Genomic context (GRCh38, chr7:21,901,044, plus strand): 5'-CAACCGCTGTGTTTTTGCCATAGGCGCCCGCTGGGACACCCAAGCAGGAACCATTGTTGA[AGCCCGTCTCAAGGAGCTGGCAT>A]GCCCTATGCCGGTCATCTTTGCAAAAGCCACCCCCGTGGACAGACAAGAAACCAAACAGA-3'

ClinVar aggregate classification (germline): Uncertain significance. Review status: criteria provided, single submitter (1 of 4 stars). 2 submissions from 2 submitters: Uncertain significance (1). 1 of the submissions does not count toward it. Last evaluated 2025-02-20.

Conditions:
Primary ciliary dyskinesia 7. Also called: CILIARY DYSKINESIA, PRIMARY, 7, WITH OR WITHOUT SITUS INVERSUS. Identifiers: Orphanet 244, MedGen C2678473, MONDO:0012748, OMIM 611884.
Primary ciliary dyskinesia. Also called: Ciliary dyskinesia. Identifiers: Orphanet 244, MedGen C0008780, MONDO:0016575, HP:0012265.
Situs inversus. Also called: Situs inversus totalis. Identifiers: Orphanet 101063, MedGen C4551493, MONDO:0010029, HP:0001696.

Submissions (2):

Broad Center for Mendelian Genomics, Broad Institute of MIT and Harvard
Classification: Uncertain significance for Primary ciliary dyskinesia 7. Last evaluated: 2025-02-20. Review status: criteria provided, single submitter. Criteria: ACMG Guidelines, 2015. Collection method: curation. Allele origin: germline. Inheritance: Autosomal recessive inheritance.
Comment: The p.Arg4449LeufsTer30 variant in DNAH11 has not been previously reported in the literature in individuals with primary ciliary dyskinesia, but has been identified in 0.0002% (2/1179282) of European (non-Finnish) chromosomes by the Genome Aggregation Database (gnomAD; dbSNP rs1257886811). Although this variant has been seen in the general population in a heterozygous state, its frequency is low enough to be consistent with a recessive carrier frequency. This variant has also been reported in ClinVar (Variation ID: 1678874) and has been interpreted as likely pathogenic by Institute of Human Genetics (University of Wuerzburg). This variant is predicted to cause a frameshift, which alters the protein's amino acid sequence beginning at position 4449 and leads to a premature termination codon 30 amino acids downstream. This termination codon occurs within the last exon and is more likely to escape nonsense mediated decay (NMD) and result in a truncated protein. Loss of function of the DNAH11 gene is an established disease mechanism in autosomal recessive primary ciliary dyskinesia. In summary, the clinical significance of the p.Arg4449LeufsTer30 variant is uncertain. ACMG/AMP Criteria applied: PVS1_moderate, PM2_supporting (Richards 2015).

Institute of Human Genetics, University of Wuerzburg
Classification: Likely pathogenic for Primary ciliary dyskinesia; Situs inversus. Review status: no assertion criteria provided. Collection method: clinical testing. Allele origin: unknown. Affected: yes. Observed: 1 variant allele. Not counted in ClinVar's aggregate classification.